The following is an entry in ClinVar:

ClinVar aggregate classification (germline): Conflicting classifications of pathogenicity. Review status: criteria provided, conflicting classifications (1 of 4 stars). 10 submissions from 6 submitters: Uncertain significance (5); Benign (2); Likely benign (3). Last evaluated 2026-08-01.

Conditions:
Cardiovascular phenotype. Identifiers: MedGen CN230736.
Autosomal recessive limb-girdle muscular dystrophy type 2J (LGMDR10). Also called: MUSCULAR DYSTROPHY, LIMB-GIRDLE, AUTOSOMAL RECESSIVE 10; Limb-girdle muscular dystrophy, type 2J. Identifiers: Orphanet 140922, MedGen C1837342, MONDO:0012127, OMIM 608807.
Dilated cardiomyopathy 1G (CMD1G). Identifiers: Orphanet 154, MedGen C1858763, MONDO:0011400, OMIM 604145.
Early-onset myopathy with fatal cardiomyopathy (CMYO5). Also called: CONGENITAL MYOPATHY 5 WITH CARDIOMYOPATHY; Salih Myopathy. Identifiers: Orphanet 289377, MedGen C2673677, MONDO:0012714, OMIM 611705. Disease mechanism: loss of function.
Myopathy, myofibrillar, 9, with early respiratory failure (MFM9). Also called: Myopathy, distal, with early respiratory failure, autosomal dominant; Hereditary myopathy with early respiratory failure; EDSTROM MYOPATHY; MYOPATHY, PROXIMAL, WITH EARLY RESPIRATORY MUSCLE INVOLVEMENT. Identifiers: Orphanet 178464, Orphanet 34521, MedGen C1863599, MONDO:0011362, OMIM 603689.
Tibial muscular dystrophy (TMD). Also called: Tibial muscular dystrophy, tardive; Udd Distal Myopathy – Tibial Muscular Dystrophy; UDD MYOPATHY. Identifiers: Orphanet 609, MedGen C1838244, MONDO:0010870, OMIM 600334.

Allele frequency attached by ClinVar (database versions not stated): 1000 Genomes Project 30x 0.00094; gnomAD exomes 0.00012 and 0.00025; gnomAD 0.00001 and 0.00006; 1000 Genomes Project 0.00080; TOPMed 0.00004; ExAC 0.00029.
gnomAD v4.1: 185 of 1,613,830 alleles (0.011%); highest among the groups gnomAD compares: South Asian, 0.19%; 2 homozygotes.

Submissions (10):

CeGaT Center for Human Genetics Tuebingen
Classification: Likely benign. Last evaluated: 2026-08-01. Review status: criteria provided, single submitter. Criteria: CeGaT Center For Human Genetics Tuebingen Variant Classification Criteria Version 2. Collection method: clinical testing. Allele origin: germline. Affected: yes. Observed: 1 variant allele.
Comment: TTN: BS2

Labcorp Genetics (formerly Invitae), Labcorp
Classification: Likely benign for Dilated cardiomyopathy 1G; Autosomal recessive limb-girdle muscular dystrophy type 2J. Last evaluated: 2025-12-31. Review status: criteria provided, single submitter. Criteria: Invitae Variant Classification Sherloc (09022015). Collection method: clinical testing. Allele origin: germline.

Ambry Genetics
Classification: Likely benign for Cardiovascular phenotype. Last evaluated: 2020-03-04. Review status: criteria provided, single submitter. Criteria: Ambry Variant Classification Scheme 2023. Collection method: clinical testing. Allele origin: germline.

Illumina Laboratory Services, Illumina
Classification: Uncertain significance for Dilated cardiomyopathy 1G. Last evaluated: 2018-01-13. Review status: criteria provided, single submitter. Criteria: ICSL Variant Classification Criteria 13 December 2019. Collection method: clinical testing. Allele origin: germline.

Illumina Laboratory Services, Illumina
Classification: Benign for Myopathy, myofibrillar, 9, with early respiratory failure. Last evaluated: 2018-01-13. Review status: criteria provided, single submitter. Criteria: ICSL Variant Classification Criteria 13 December 2019. Collection method: clinical testing. Allele origin: germline.
Comment: This variant was observed in the ICSL laboratory as part of a predisposition screen in an ostensibly healthy population. It had not been previously curated by ICSL or reported in the Human Gene Mutation Database (HGMD: prior to June 1st, 2018), and was therefore a candidate for classification through an automated scoring system. Utilizing variant allele frequency, disease prevalence and penetrance estimates, and inheritance mode, an automated score was calculated to assess if this variant is too frequent to cause the disease. Based on the score and internal cut-off values, a variant classified as benign is not then subjected to further curation. The score for this variant resulted in a classification of benign for this disease.

Illumina Laboratory Services, Illumina
Classification: Uncertain significance for Early-onset myopathy with fatal cardiomyopathy. Last evaluated: 2018-01-13. Review status: criteria provided, single submitter. Criteria: ICSL Variant Classification Criteria 13 December 2019. Collection method: clinical testing. Allele origin: germline.

Illumina Laboratory Services, Illumina
Classification: Benign for Tibial muscular dystrophy. Last evaluated: 2018-01-13. Review status: criteria provided, single submitter. Criteria: ICSL Variant Classification Criteria 13 December 2019. Collection method: clinical testing. Allele origin: germline.
Comment: the same text as in the submission from Illumina Laboratory Services, Illumina above.

Illumina Laboratory Services, Illumina
Classification: Uncertain significance for Autosomal recessive limb-girdle muscular dystrophy type 2J. Last evaluated: 2018-01-13. Review status: criteria provided, single submitter. Criteria: ICSL Variant Classification Criteria 13 December 2019. Collection method: clinical testing. Allele origin: germline.

Eurofins Ntd Llc (ga)
Classification: Uncertain significance. Last evaluated: 2017-05-11. Review status: criteria provided, single submitter. Criteria: EGL Classification Definitions 2015. Collection method: clinical testing. Allele origin: germline. Observed: 2 variant alleles, 2 heterozygotes.

Laboratory for Molecular Medicine, Mass General Brigham Personalized Medicine
Classification: Uncertain significance. Last evaluated: 2014-04-10. Review status: criteria provided, single submitter. Criteria: LMM Criteria. Collection method: clinical testing. Allele origin: germline. Observed: 2 variant alleles.
Comment: Co mputational prediction tools and conservation analysis do not provide strong sup port for or against an impact to the protein. Additional information is needed t o fully assess the clinical significance of the Glu25664Asp variant.

NM_001267550.2(TTN):c.84696A>C (p.Glu28232Asp)

Genes: TTN (titin; minus strand), TTN-AS1 (TTN antisense RNA 1; plus strand). Cytogenetic location: 2q31.2.
Variant type: single nucleotide variant.
Coding change: c.84696A>C on transcript NM_001267550.2 (MANE Select); coding-DNA position 84696, A replaced by C.
Protein change: p.Glu28232Asp; replaces glutamic acid 28232 with aspartic acid.
Molecular consequence: missense variant.
Genome position (GRCh38, 1-based): chr2:178,561,436, T>G on the plus strand (A>C on the coding strand, the complement: TTN is on the minus strand). VCF-style: chr2-178561436-T-G. GRCh37 (hg19) VCF-style: chr2-179426163-T-G.
Other names: c.76992A>C, p.Glu25664Asp (NM_133378.4); c.79773A>C, p.Glu26591Asp (NM_001256850.1); c.57501A>C, p.Glu19167Asp (NM_003319.4); c.57876A>C, p.Glu19292Asp (NM_133432.3); c.58077A>C, p.Glu19359Asp (NM_133437.4); short protein forms E28232D, E25664D, E19292D, E19359D, E19167D, E26591D.
Identifiers: ClinVar variation 47440 (VCV000047440.26), dbSNP rs397517730, ClinGen allele CA141005.